The following is an entry in ClinVar:

NM_004655.4(AXIN2):c.900_903del (p.Ser300fs)

Gene: AXIN2 (axin 2; minus strand). Cytogenetic location: 17q24.1.
Variant type: Deletion.
Coding change: c.900_903del on transcript NM_004655.4 (MANE Select); coding-DNA positions 900 to 903, 4 bases deleted (TGAG; older notation c.900_903delTGAG).
Protein change: p.Ser300fs; shifts the reading frame from serine 300.
Molecular consequence: frameshift variant.
Genome position (GRCh38, 1-based): chr17:65,549,573-65,549,576, CTCA deleted on the plus strand (TGAG on the coding strand, the reverse complement: AXIN2 is on the minus strand); deleting any 4 consecutive bases within chr17:65,549,573-65,549,578 gives the same sequence; the c. name uses the placement nearest the transcript's 3' end. VCF-style (leftmost placement, unchanged base first): chr17-65549572-TCTCA-T. GRCh37 (hg19) VCF-style: chr17-63545690-TCTCA-T.
Other names: c.900_903del, p.Ser300fs (NM_001363813.1); c.898_901delAGTG, p.Ser300Argfs (NM_004655.3); short protein forms S300fs.
Identifiers: ClinVar variation 2444897 (VCV002444897.3), dbSNP rs2044163130, ClinGen allele CA2270890138.

ClinVar aggregate classification (germline): Pathogenic. Review status: criteria provided, multiple submitters, no conflicts (2 of 4 stars). 2 submissions from 2 submitters: Pathogenic (2). Last evaluated 2025-12-02.

Conditions:
Oligodontia-cancer predisposition syndrome. Also called: TOOTH AGENESIS-COLORECTAL CANCER SYNDROME. Identifiers: Orphanet 300576, MedGen C1837750, MONDO:0012075, OMIM 608615. Disease mechanism: loss of function.

Submissions (2):

Myriad Genetics, Inc.
Classification: Pathogenic for Oligodontia-cancer predisposition syndrome. Last evaluated: 2025-12-02. Review status: criteria provided, single submitter. Criteria: Myriad Autosomal Dominant, Autosomal Recessive and X-Linked Classification Criteria (2023). Collection method: clinical testing. Allele origin: unknown.
Comment: This variant is considered pathogenic. This variant creates a frameshift predicted to result in premature protein truncation.

St. Jude Molecular Pathology, St. Jude Children's Research Hospital
Classification: Pathogenic for Oligodontia-cancer predisposition syndrome. Last evaluated: 2022-11-15. Review status: criteria provided, single submitter. Criteria: St. Jude Assertion Criteria 2020. Collection method: clinical testing. Allele origin: germline.
Comment: The AXIN2 c.900_903del (p.Ser300ArgfsTer7) change deletes four nucleotides to cause a frameshift and the creation of a premature stop codon. This change is predicted to cause protein truncation or absence of the protein due to nonsense mediated decay. This variant is absent in gnomAD v2.1.1. Although this variant has not been reported in the literature in individuals with AXIN2-associated clinical phenotypes, downstream truncating variants have been identified in individuals and families with polyposis, colorectal cancer, and/or oligodontia (PMID: 15042511, 30671715, 34817745). In summary, this variant meets criteria to be classified as pathogenic.